The following is an entry in ClinVar:

ClinVar aggregate classification (germline): Uncertain significance. Review status: criteria provided, multiple submitters, no conflicts (2 of 4 stars). 4 submissions from 4 submitters: Uncertain significance (4). Last evaluated 2025-11-20.

Conditions:
Autosomal recessive nonsyndromic hearing loss 2. Also called: NEUROSENSORY NONSYNDROMIC RECESSIVE DEAFNESS 2; DEAFNESS, AUTOSOMAL RECESSIVE 2. Identifiers: Orphanet 90636, MedGen C1838701, MONDO:0010807, OMIM 600060.
Autosomal dominant nonsyndromic hearing loss 11. Identifiers: Orphanet 90635, MedGen C1832475, MONDO:0011032, OMIM 601317.
Usher syndrome type 1 (USH1). Also called: RETINITIS PIGMENTOSA AND CONGENITAL DEAFNESS. Identifiers: Orphanet 231169, Orphanet 886, MedGen C1568247, MONDO:0010168, OMIM 276900.

Allele frequency attached by ClinVar (database versions not stated): gnomAD exomes 0.00001 and below 0.00001; TOPMed 0.00003; ExAC 0.00001; gnomAD 0.00001.
gnomAD v4.1: 4 of 1,613,810 alleles (0.00025%); highest among the groups gnomAD compares: East Asian, 0.0067%; no homozygotes.

Submissions (4):

Labcorp Genetics (formerly Invitae), Labcorp
Classification: Uncertain significance. Last evaluated: 2025-11-20. Review status: criteria provided, single submitter. Criteria: Invitae Variant Classification Sherloc (09022015). Collection method: clinical testing. Allele origin: germline.
Comment: This sequence change replaces lysine, which is basic and polar, with arginine, which is basic and polar, at codon 169 of the MYO7A protein (p.Lys169Arg). This variant is present in population databases (rs782258764, gnomAD 0.02%). This variant has not been reported in the literature in individuals affected with MYO7A-related conditions. ClinVar contains an entry for this variant (Variation ID: 1306027). Invitae Evidence Modeling of protein sequence and biophysical properties (such as structural, functional, and spatial information, amino acid conservation, physicochemical variation, residue mobility, and thermodynamic stability) has been performed for this missense variant. However, the output from this modeling did not meet the statistical confidence thresholds required to predict the impact of this variant on MYO7A protein function. In summary, the available evidence is currently insufficient to determine the role of this variant in disease. Therefore, it has been classified as a Variant of Uncertain Significance.

GeneDx
Classification: Uncertain significance. Last evaluated: 2019-05-23. Review status: criteria provided, single submitter. Criteria: GeneDx Variant Classification Process June 2021. Collection method: clinical testing. Allele origin: germline. Affected: yes.
Comment: In silico analysis, which includes protein predictors and evolutionary conservation, supports a deleterious effect; Has not been previously published as pathogenic or benign to our knowledge

Precision Medicine Center, Zhengzhou University
Classification: Uncertain significance for Autosomal dominant nonsyndromic hearing loss 11. Last evaluated: 2006-06-30. Review status: criteria provided, single submitter. Criteria: ClinGen HL ACMG Specifications v1. Collection method: clinical testing. Allele origin: maternal. Affected: yes.
Comment: PM2+PP3+PP1:The MYO7A c.506A>G variant is absent or extremely rare in population databases (PM2).Segregation in two affected relatives for dominant (PP1), and multiple computational prediction tools support a deleterious effect on protein function (PP3). However, no functional evidence, de novo occurrence, or sufficient independent clinical data are currently available. According to the ACMG/AMP guidelines, this variant is classified as Variant of Uncertain Significance (VUS).

Juno Genomics, Hangzhou Juno Genomics, Inc
Classification: Uncertain significance for Autosomal dominant nonsyndromic hearing loss 11; Autosomal recessive nonsyndromic hearing loss 2; Usher syndrome type 1. Review status: criteria provided, single submitter. Criteria: ACMG Guidelines, 2015. Collection method: clinical testing. Allele origin: germline.
Comment: Absent from controls (or at extremely low frequency if recessive) in Genome Aggregation Database.;Multiple lines of computational evidence support a deleterious effect on the gene or gene product.

NM_000260.4(MYO7A):c.506A>G (p.Lys169Arg)

Gene: MYO7A (myosin VIIA; plus strand). Cytogenetic location: 11q13.5.
Variant type: single nucleotide variant.
Coding change: c.506A>G on transcript NM_000260.4 (MANE Select); coding-DNA position 506, A replaced by G.
Protein change: p.Lys169Arg; replaces lysine 169 with arginine.
Molecular consequence: missense variant.
Genome position (GRCh38, 1-based): chr11:77,156,695, A>G. VCF-style: chr11-77156695-A-G. GRCh37 (hg19) VCF-style: chr11-76867741-A-G.
Other names: c.506A>G, p.Lys169Arg (NM_001127180.2); c.473A>G, p.Lys158Arg (NM_001369365.1); short protein forms K158R, K169R.
Identifiers: ClinVar variation 1306027 (VCV001306027.8), dbSNP rs782258764, ClinGen allele CA6197159.